The following is an entry in ClinVar:

NM_024426.6(WT1):c.997T>C (p.Trp333Arg)

Gene: WT1 (WT1 transcription factor; minus strand). Cytogenetic location: 11p13.
Variant type: single nucleotide variant.
Coding change: c.997T>C on transcript NM_024426.6 (MANE Select); coding-DNA position 997, T replaced by C.
Protein change: p.Trp333Arg; replaces tryptophan 333 with arginine.
Molecular consequence: missense variant. On other transcripts: non-coding transcript variant (1), intron variant (2).
Genome position (GRCh38, 1-based): chr11:32,416,509, A>G on the plus strand (T>C on the coding strand, the complement: WT1 is on the minus strand). VCF-style: chr11-32416509-A-G. GRCh37 (hg19) VCF-style: chr11-32438055-A-G.
Other names: c.346T>C, p.Trp116Arg (NM_001198551.2); c.997T>C, p.Trp333Arg (NM_001407044.1, NM_001407046.1, NM_024424.5); c.874T>C, p.Trp292Arg (NM_001407047.1); c.235T>C, p.Trp79Arg (NM_001407051.1); c.965+1068T>C (NM_000378.6); c.314+1068T>C (NM_001198552.2); c.982T>C (NM_024426.4); short protein forms W116R, W292R, W333R, W328R, W79R.
Identifiers: ClinVar variation 2158450 (VCV002158450.3), dbSNP rs1367648711, ClinGen allele CA379961749.

ClinVar aggregate classification (germline): Uncertain significance. Review status: criteria provided, multiple submitters, no conflicts (2 of 4 stars). 2 submissions from 2 submitters: Uncertain significance (2). Last evaluated 2025-06-18.

Conditions:
Frasier syndrome. Identifiers: Orphanet 347, MedGen C0950122, MeSH D052159, MONDO:0007635, OMIM 136680.
Wilms tumor 1 (WT1). Also called: Wilms tumor, somatic. Identifiers: Orphanet 654, MedGen CN033288, MONDO:0008679, OMIM 194070.
11p partial monosomy syndrome (WAGR). Also called: WAGR Spectrum Disorder; WAGR syndrome; CHROMOSOME 11p13 DELETION SYNDROME; WAGR Complex. Identifiers: Orphanet 893, MedGen C0206115, MONDO:0008681, OMIM 194072.
Drash syndrome (DDS). Also called: WILMS TUMOR AND PSEUDO- OR TRUE HERMAPHRODITISM; NEPHROPATHY, WILMS TUMOR, AND GENITAL ANOMALIES. Identifiers: Orphanet 220, MedGen C0950121, MONDO:0008682, OMIM 194080.

Allele frequency attached by ClinVar (database versions not stated): gnomAD exomes below 0.00001; gnomAD 0.00001; TOPMed 0.00001.
gnomAD v4.1: 3 of 1,613,886 alleles (0.00019%); highest among the groups gnomAD compares: East Asian, 0.0022%; no homozygotes.

Submissions (2):

Color Diagnostics, LLC DBA Color Health
Classification: Uncertain significance for Wilms tumor 1. Last evaluated: 2025-06-18. Review status: criteria provided, single submitter. Criteria: ACMG Guidelines, 2015. Collection method: clinical testing. Allele origin: germline.
Comment: This missense variant replaces tryptophan with arginine at codon 328 of the WT1 protein. Computational prediction suggests that this variant may not impact protein structure and function. To our knowledge, functional studies have not been reported for this variant. This variant has not been reported in individuals affected with WT1-related disorders in the literature. This variant has been identified in 2/251126 chromosomes in the general population by the Genome Aggregation Database (gnomAD). The available evidence is insufficient to determine the role of this variant in disease conclusively. Therefore, this variant is classified as a Variant of Uncertain Significance.

Labcorp Genetics (formerly Invitae), Labcorp
Classification: Uncertain significance for Wilms tumor 1; Drash syndrome; 11p partial monosomy syndrome; Frasier syndrome. Last evaluated: 2023-11-19. Review status: criteria provided, single submitter. Criteria: Invitae Variant Classification Sherloc (09022015). Collection method: clinical testing. Allele origin: germline.
Comment: This sequence change replaces tryptophan, which is neutral and slightly polar, with arginine, which is basic and polar, at codon 328 of the WT1 protein (p.Trp328Arg). This variant is present in population databases (no rsID available, gnomAD 0.006%). This variant has not been reported in the literature in individuals affected with WT1-related conditions. ClinVar contains an entry for this variant (Variation ID: 2158450). Advanced modeling of protein sequence and biophysical properties (such as structural, functional, and spatial information, amino acid conservation, physicochemical variation, residue mobility, and thermodynamic stability) has been performed at Invitae for this missense variant, however the output from this modeling did not meet the statistical confidence thresholds required to predict the impact of this variant on WT1 protein function. In summary, the available evidence is currently insufficient to determine the role of this variant in disease. Therefore, it has been classified as a Variant of Uncertain Significance.